The following is an entry in ClinVar:

NM_004004.6(GJB2):c.670A>C (p.Lys224Gln)

Gene: GJB2 (gap junction protein beta 2; minus strand). Cytogenetic location: 13q12.11.
Variant type: single nucleotide variant.
Coding change: c.670A>C on transcript NM_004004.6 (MANE Select); coding-DNA position 670, A replaced by C.
Protein change: p.Lys224Gln; replaces lysine 224 with glutamine.
Molecular consequence: missense variant.
Genome position (GRCh38, 1-based): chr13:20,188,912, T>G on the plus strand (A>C on the coding strand, the complement: GJB2 is on the minus strand). VCF-style: chr13-20188912-T-G. GRCh37 (hg19) VCF-style: chr13-20763051-T-G.
Other names: short protein forms K224Q.
Identifiers: ClinVar variation 44765 (VCV000044765.39), dbSNP rs111033194, ClinGen allele CA134995.
Genomic context (GRCh38, chr13:20,188,912, plus strand): 5'-TCATCCCTCTCATGCTGTCTATTTCTTAATCTAACAACTGGGCAATGCGTTAAACTGGCT[T>G]TTTTGACTTCCCAGAACAATATCTAATTAGCAAATAACACAATTCAGTGACATTCAGCAG-3'
Protein context (NP_003995.2, residues 214-226): LIRYCSGKSK[Lys224Gln]PV

ClinVar aggregate classification (germline): Uncertain significance. Review status: criteria provided, multiple submitters, no conflicts (2 of 4 stars). 11 submissions from 11 submitters: Uncertain significance (9). 2 of the submissions do not count toward it. Last evaluated 2026-01-25.

Conditions:
Ichthyosis, hystrix-like, with hearing loss. Also called: Hystrix-like ichthyosis with deafness. Identifiers: Orphanet 477, MedGen C1865234, MONDO:0011245.
Palmoplantar keratoderma-deafness syndrome. Also called: Keratoderma palmoplantar, with deafness; Palmoplantar keratoderma and sensorineural deafness; Hereditary palmoplantar keratoderma with deafness (subtype); Focal palmoplantar keratoderma with sensorineural deafness (subtype); Diffuse palmoplantar keratoderma with deafness (subtype). Identifiers: Orphanet 2202, MedGen C1835672, MONDO:0007852, OMIM 148350.
Knuckle pads, deafness AND leukonychia syndrome. Also called: Bart-Pumphrey syndrome. Identifiers: Orphanet 2698, MedGen C0266004, MONDO:0007866, OMIM 149200.
X-linked mixed hearing loss with perilymphatic gusher. Also called: Gusher syndrome; NANCE DEAFNESS; PERILYMPHATIC GUSHER-DEAFNESS SYNDROME; SENSORINEURAL DEAFNESS, PROFOUND, WITH OR WITHOUT A CONDUCTIVE COMPONENT, ASSOCIATED WITH A UNIQUE DEVELOPMENTAL ABNORMALITY OF THE EAR; Deafness, X-linked 2. Identifiers: Orphanet 383, MedGen C1844678, MONDO:0010576, OMIM 304400.
Mutilating keratoderma (VOWNKL). Also called: Keratoderma hereditarium mutilans. Identifiers: Orphanet 494, MedGen C0265964, MONDO:0007422, OMIM 124500.
Autosomal recessive nonsyndromic hearing loss 1A (DFNB1A). Also called: Connexin 26 deafness; Deafness nonsyndromic, Connexin 26 linked; GJB6-Related DFNB 1 Nonsyndromic Hearing Loss and Deafness; Deafness, autosomal recessive 1A; Nonsyndromic Hearing Loss and Deafness, DFNB1; GJB2-Related Autosomal Recessive Nonsyndromic Hearing Loss. Identifiers: Orphanet 90636, MedGen C2673759, MONDO:0009076, OMIM 220290.
Autosomal dominant keratitis-ichthyosis-hearing loss syndrome. Also called: Senter syndrome; KID SYNDROME, AUTOSOMAL DOMINANT; HID SYNDROME. Identifiers: Orphanet 477, MedGen C0265336, MONDO:0007850, OMIM 148210.
Autosomal dominant nonsyndromic hearing loss 3A. Identifiers: Orphanet 90635, MedGen C2675750, MONDO:0011103, OMIM 601544.
GJB2-related disorder. Also called: GJB2-related condition; GJB2-related disorders. Identifiers: MedGen CN382183, MONDO:1060236.

Allele frequency attached by ClinVar (database versions not stated): gnomAD 0.00015 and 0.00017; TOPMed 0.00023; ExAC 0.00009; ESP Exome Variant Server 0.00008; gnomAD exomes 0.00013.
gnomAD v4.1: 239 of 1,613,134 alleles (0.015%); highest among the groups gnomAD compares: Middle Eastern, 0.099%; no homozygotes.

Submissions 1 to 6 of 11:

PreventionGenetics, part of Exact Sciences
Classification: Uncertain significance for GJB2-related condition. Last evaluated: 2026-01-25. Review status: criteria provided, single submitter. Criteria: ACMG Guidelines, 2015. Collection method: clinical testing. Allele origin: germline.
Comment: The GJB2 c.670A>C variant is predicted to result in the amino acid substitution p.Lys224Gln. This variant has been reported in the heterozygous and homozygous states in multiple individuals with non-syndromic deafness (Antoniadi et al. 2000. PubMed ID: 10874298; Pandya et al. 2003. PubMed ID: 12865758; Tekin and Arıcı 2007. PubMed ID: 17444514; Putcha et al. 2007. PubMed ID: 17666888; Shan et al. 2010. PubMed ID: 20381175; Özyılmaz et al. 2019. PubMed ID: 31620696). However, to our knowledge, it has not been reported with an established disease-causing GJB2 variant on the opposite allele (in trans) in an affected individual. This variant is reported in 0.021% of alleles in individuals of European (non-Finnish) descent in gnomAD. At this time, the clinical significance of this variant is uncertain due to the absence of conclusive functional and genetic evidence.

Labcorp Genetics (formerly Invitae), Labcorp
Classification: Uncertain significance. Last evaluated: 2025-12-28. Review status: criteria provided, single submitter. Criteria: Invitae Variant Classification Sherloc (09022015). Collection method: clinical testing. Allele origin: germline.
Comment: This sequence change replaces lysine, which is basic and polar, with glutamine, which is neutral and polar, at codon 224 of the GJB2 protein (p.Lys224Gln). This variant is present in population databases (rs111033194, gnomAD 0.02%). This missense change has been observed in individual(s) with autosomal recessive deafness (PMID: 17444514). ClinVar contains an entry for this variant (Variation ID: 44765). Invitae Evidence Modeling of protein sequence and biophysical properties (such as structural, functional, and spatial information, amino acid conservation, physicochemical variation, residue mobility, and thermodynamic stability) has been performed for this missense variant. However, the output from this modeling did not meet the statistical confidence thresholds required to predict the impact of this variant on GJB2 protein function. In summary, the available evidence is currently insufficient to determine the role of this variant in disease. Therefore, it has been classified as a Variant of Uncertain Significance.

GeneDx
Classification: Uncertain significance. Last evaluated: 2025-04-29. Review status: criteria provided, single submitter. Criteria: GeneDx Variant Classification Process June 2021. Collection method: clinical testing. Allele origin: germline. Affected: yes.
Comment: Observed in the heterozygous state without a second variant in multiple individuals with hearing loss in the published literature (PMID: 10874298, 12865758, 17357124, 20381175); Observed in the apparent homozygous state in two patients with hearing loss in the published literature (PMID: 17444514, 31620696) and not observed in the homozygous state in controls; In silico analysis indicates that this missense variant does not alter protein structure/function; This variant is associated with the following publications: (PMID: 19230829, 17357124, 12172392, 25262649, 25388846, 26990548, 30245029, 19081147, 26542351, 20059378, 17666888, 17366579, 16125251, 22567369, 21844220, 20381175, 12865758, 31620696, 33199029, 10874298, 17444514, 36048236, 38253033)

Blueprint Genetics
Classification: Uncertain significance. Last evaluated: 2024-09-13. Review status: criteria provided, single submitter. Criteria: ACMG Guidelines, 2015. Collection method: clinical testing. Allele origin: germline.

Women's Health and Genetics/Laboratory Corporation of America, LabCorp
Classification: Uncertain significance. Last evaluated: 2023-08-24. Review status: criteria provided, single submitter. Criteria: LabCorp Variant Classification Summary - May 2015. Collection method: clinical testing. Allele origin: germline.
Comment: Variant summary: GJB2 c.670A>C (p.Lys224Gln) results in a conservative amino acid change in the encoded protein sequence. Three of five in-silico tools predict a benign effect of the variant on protein function. The variant allele was found at a frequency of 0.00014 in 250298 control chromosomes (gnomAD). This frequency is not significantly higher than estimated for a pathogenic variant in GJB2 causing Autosomal Recessive Non-Syndromic Hearing Loss (0.00014 vs 0.025), allowing no conclusion about variant significance. c.670A>C has been reported in the literature in multiple individuals affected with non-syndromic hearing loss, including both heterozygous individuals without a second variant identified and homozygous individuals (Tekin_2007, Ozylmaz_2019) without evidence of cosegregation with disease provided. These reports do not provide unequivocal conclusions about association of the variant with Autosomal Recessive Non-Syndromic Hearing Loss. One publication reports experimental evidence evaluating an impact on protein function (Spagnol_2016), however it does not allow convincing conclusions about the variant effect. The following publications have been ascertained in the context of this evaluation (PMID: 17366579, 22567369, 12865758, 17666888, 19230829, 20381175, 23695287, 19081147, 17357124, 22016077, 10874298, 26542351, 31620696, 30245029). Eight submitters have cited clinical-significance assessments for this variant to ClinVar after 2014. All submitters classified the variant as uncertain significance. Additionally, a published expert curation also classified the variant as uncertain significance (Deafness Variation Database, Azaiez_2018). Based on the evidence outlined above, the variant was classified as uncertain significance.

Fulgent Genetics
Classification: Uncertain significance for Mutilating keratoderma; Autosomal dominant keratitis-ichthyosis-hearing loss syndrome; Palmoplantar keratoderma-deafness syndrome; Knuckle pads, deafness AND leukonychia syndrome; Autosomal recessive nonsyndromic hearing loss 1A; X-linked mixed hearing loss with perilymphatic gusher; Autosomal dominant nonsyndromic hearing loss 3A. Last evaluated: 2021-10-12. Review status: criteria provided, single submitter. Criteria: ACMG Guidelines, 2015. Collection method: clinical testing. Allele origin: unknown.